The following is an entry in ClinVar:

ClinVar aggregate classification (germline): Uncertain significance (1 of 4 stars; one submission).

Conditions:
Cohen syndrome (COH1). Also called: Cutis verticis gyrata, retinitis pigmentosa, and sensorineural deafness; PEPPER SYNDROME. Identifiers: Orphanet 193, MedGen C0265223, MONDO:0008999, OMIM 216550.

Submission:

Labcorp Genetics (formerly Invitae), Labcorp
Classification: Uncertain significance for Cohen syndrome. Last evaluated: 2019-11-15. Review status: criteria provided, single submitter. Criteria: Invitae Variant Classification Sherloc (09022015). Collection method: clinical testing. Allele origin: germline.
Comment: Algorithms developed to predict the effect of missense changes on protein structure and function are either unavailable or do not agree on the potential impact of this missense change (SIFT: "Tolerated"; PolyPhen-2: "Probably Damaging"; Align-GVGD: "Class C0"). In summary, the available evidence is currently insufficient to determine the role of this variant in disease. Therefore, it has been classified as a Variant of Uncertain Significance. This variant has not been reported in the literature in individuals with VPS13B-related conditions. This variant is not present in population databases (ExAC no frequency). This sequence change replaces serine with cysteine at codon 1268 of the VPS13B protein (p.Ser1268Cys). The serine residue is moderately conserved and there is a moderate physicochemical difference between serine and cysteine.

NM_152564.5(VPS13B):c.3802A>T (p.Ser1268Cys)

Gene: VPS13B (vacuolar protein sorting 13 homolog B; plus strand). Cytogenetic location: 8q22.2.
Variant type: single nucleotide variant.
Coding change: c.3802A>T on transcript NM_152564.5 (MANE Select); coding-DNA position 3802, A replaced by T.
Protein change: p.Ser1268Cys; replaces serine 1268 with cysteine.
Molecular consequence: missense variant.
Genome position (GRCh38, 1-based): chr8:99,481,734, A>T. VCF-style: chr8-99481734-A-T. GRCh37 (hg19) VCF-style: chr8-100493962-A-T.
Other names: c.3802A>T, p.Ser1268Cys (NM_017890.5); short protein forms S1268C.
Identifiers: ClinVar variation 961626 (VCV000961626.8), dbSNP rs1820049229, ClinGen allele CA371866923.